The following is an entry in ClinVar:

ClinVar aggregate classification (germline): Uncertain significance (1 of 4 stars; one submission).

Allele frequency attached by ClinVar (database versions not stated): gnomAD 0.00001.
gnomAD v4.1: 6 of 1,613,328 alleles (0.00037%); highest among the groups gnomAD compares: South Asian, 0.0011%; no homozygotes.

Submission:

Labcorp Genetics (formerly Invitae), Labcorp
Classification: Uncertain significance. Last evaluated: 2023-06-13. Review status: criteria provided, single submitter. Criteria: Invitae Variant Classification Sherloc (09022015). Collection method: clinical testing. Allele origin: germline.
Comment: ClinVar contains an entry for this variant (Variation ID: 1901828). In summary, the available evidence is currently insufficient to determine the role of this variant in disease. Therefore, it has been classified as a Variant of Uncertain Significance. Advanced modeling of protein sequence and biophysical properties (such as structural, functional, and spatial information, amino acid conservation, physicochemical variation, residue mobility, and thermodynamic stability) performed at Invitae indicates that this missense variant is not expected to disrupt ADAMTS13 protein function. This variant has not been reported in the literature in individuals affected with ADAMTS13-related conditions. This variant is not present in population databases (gnomAD no frequency). This sequence change replaces asparagine, which is neutral and polar, with lysine, which is basic and polar, at codon 828 of the ADAMTS13 protein (p.Asn828Lys).

NM_139027.6(ADAMTS13):c.2484C>G (p.Asn828Lys)

Gene: ADAMTS13 (ADAM metallopeptidase with thrombospondin type 1 motif 13; plus strand). Cytogenetic location: 9q34.2.
Variant type: single nucleotide variant.
Coding change: c.2484C>G on transcript NM_139027.6 (MANE Select); coding-DNA position 2484, C replaced by G.
Protein change: p.Asn828Lys; replaces asparagine 828 with lysine.
Molecular consequence: missense variant. On other transcripts: non-coding transcript variant (1).
Genome position (GRCh38, 1-based): chr9:133,444,926, C>G. VCF-style: chr9-133444926-C-G. GRCh37 (hg19) VCF-style: chr9-136310047-C-G.
Other names: c.2484C>G, p.Asn828Lys (NM_139025.5); c.2391C>G, p.Asn797Lys (NM_139026.6); short protein forms N797K, N828K.
Identifiers: ClinVar variation 1901828 (VCV001901828.5), dbSNP rs1841951465, ClinGen allele CA375399552.